The following is an entry in ClinVar:

NM_001023570.4(IQCB1):c.1567+3A>G

Gene: IQCB1 (IQ motif containing B1; minus strand). Cytogenetic location: 3q13.33.
Variant type: single nucleotide variant.
Coding change: c.1567+3A>G on transcript NM_001023570.4 (MANE Select); 3 bases into the intron after coding-DNA position 1567, A replaced by G.
Molecular consequence: intron variant.
Genome position (GRCh38, 1-based): chr3:121,772,554, T>C on the plus strand (A>G on the coding strand, the complement: IQCB1 is on the minus strand). VCF-style: chr3-121772554-T-C. GRCh37 (hg19) VCF-style: chr3-121491401-T-C.
Other names: c.1567+3A>G (NM_001319107.2); c.1168+3A>G (NM_001023571.4).
Identifiers: ClinVar variation 998822 (VCV000998822.7), dbSNP rs1403759372, ClinGen allele CA898022304.
Genomic context (GRCh38, chr3:121,772,554, plus strand): 5'-TGGATGTCACAAACCTCGCATAGGTTGTTCCTTTTAGAGAACGAAAGTAAAATGAGCACA[T>C]ACTCATTAGCTGTTCAACGTTGGTGCTGATCTGTGCTATCAGAGCTTCTCTGTGCTGCTG-3'

ClinVar aggregate classification (germline): Uncertain significance. Review status: criteria provided, multiple submitters, no conflicts (2 of 4 stars). 2 submissions from 2 submitters: Uncertain significance (2). Last evaluated 2022-11-22.

Conditions:
Nephronophthisis. Also called: Juvenile Nephronophthisis. Identifiers: Orphanet 655, MedGen C0687120, MONDO:0019005, HP:0000090.
Senior-Loken syndrome 5 (SLSN5). Identifiers: Orphanet 3156, MedGen C1836517, MONDO:0012225, OMIM 609254.

Allele frequency attached by ClinVar (database versions not stated): gnomAD exomes 0.00002; TOPMed 0.00002; gnomAD 0.00003.
gnomAD v4.1: 28 of 1,614,072 alleles (0.0017%); highest among the groups gnomAD compares: African/African-American, 0.0027%; no homozygotes.

Submissions (2):

Labcorp Genetics (formerly Invitae), Labcorp
Classification: Uncertain significance for Nephronophthisis. Last evaluated: 2022-11-22. Review status: criteria provided, single submitter. Criteria: Invitae Variant Classification Sherloc (09022015). Collection method: clinical testing. Allele origin: germline.
Comment: Variants that disrupt the consensus splice site are a relatively common cause of aberrant splicing (PMID: 17576681, 9536098). Algorithms developed to predict the effect of sequence changes on RNA splicing suggest that this variant may disrupt the consensus splice site. In summary, the available evidence is currently insufficient to determine the role of this variant in disease. Therefore, it has been classified as a Variant of Uncertain Significance. ClinVar contains an entry for this variant (Variation ID: 998822). This sequence change falls in intron 14 of the IQCB1 gene. It does not directly change the encoded amino acid sequence of the IQCB1 protein. It affects a nucleotide within the consensus splice site. This variant is not present in population databases (gnomAD no frequency). This variant has not been reported in the literature in individuals affected with IQCB1-related conditions.

Fulgent Genetics
Classification: Uncertain significance for Senior-Loken syndrome 5. Last evaluated: 2022-02-15. Review status: criteria provided, single submitter. Criteria: ACMG Guidelines, 2015. Collection method: clinical testing. Allele origin: unknown.

Literature cited by the submitters: PubMed 17576681 (cited by Labcorp Genetics (formerly Invitae), Labcorp); PubMed 9536098 (cited by Labcorp Genetics (formerly Invitae), Labcorp).